The following is an entry in ClinVar:

ClinVar aggregate classification (germline): Uncertain significance (1 of 4 stars; one submission).

Conditions:
Hereditary cancer-predisposing syndrome. Also called: Neoplastic Syndromes, Hereditary; Tumor predisposition; Hereditary Cancer Syndrome; Hereditary neoplastic syndrome. Identifiers: Orphanet 140162, MedGen C0027672, MeSH D009386, MONDO:0015356.

Submission:

Ambry Genetics
Classification: Uncertain significance for Hereditary cancer-predisposing syndrome. Last evaluated: 2025-07-29. Review status: criteria provided, single submitter. Criteria: Ambry Variant Classification Scheme 2023. Collection method: clinical testing. Allele origin: germline.
Comment: The p.G33E variant (also known as c.98G>A), located in coding exon 2 of the SMARCB1 gene, results from a G to A substitution at nucleotide position 98. The glycine at codon 33 is replaced by glutamic acid, an amino acid with similar properties. This amino acid position is conserved. In addition, this alteration is predicted to be deleterious by in silico analysis. Based on the available evidence, the clinical significance of this variant remains unclear.

NM_003073.5(SMARCB1):c.98G>A (p.Gly33Glu)

Gene: SMARCB1 (SWI/SNF related BAF chromatin remodeling complex subunit B1; plus strand). Cytogenetic location: 22q11.23.
Variant type: single nucleotide variant.
Coding change: c.98G>A on transcript NM_003073.5 (MANE Select); coding-DNA position 98, G replaced by A.
Protein change: p.Gly33Glu; replaces glycine 33 with glutamic acid.
Molecular consequence: missense variant.
Genome position (GRCh38, 1-based): chr22:23,791,760, G>A. VCF-style: chr22-23791760-G-A. GRCh37 (hg19) VCF-style: chr22-24133947-G-A.
Other names: c.98G>A, p.Gly33Glu (NM_001007468.3, NM_001317946.2, NM_001362877.2); short protein forms G33E.
Identifiers: ClinVar variation 4170244 (VCV004170244.1).
Genomic context (GRCh38, chr22:23,791,760, plus strand): 5'-TCCCCTTCCCTGTGGTGCTGCGACCCTTATAATGAGCCTTCTTGCTTTACTCATAGGTGG[G>A]AAACTACCTCCGTATGTTCCGAGGTTCTCTGTACAAGAGATACCCCTCACTCTGGAGGCG-3'
Protein context (NP_003064.2, residues 23-43): GEFYMIGSEV[Gly33Glu]NYLRMFRGSL